The following is an entry in ClinVar:

ClinVar aggregate classification (germline): Uncertain significance. Review status: criteria provided, multiple submitters, no conflicts (2 of 4 stars). 4 submissions from 2 submitters: Uncertain significance (4). Last evaluated 2024-02-16.

Conditions:
Channelopathy-associated congenital insensitivity to pain, autosomal recessive. Also called: Insensitivity to pain, channelopathy-associated; ASYMBOLIA FOR PAIN; CONGENITAL ANALGESIA, AUTOSOMAL RECESSIVE. Identifiers: Orphanet 88642, Orphanet 970, MedGen C1855739, MONDO:0009459, OMIM 243000.
Paroxysmal extreme pain disorder (PEXPD). Also called: PAIN, SUBMANDIBULAR, OCULAR, AND RECTAL, WITH FLUSHING; RECTAL PAIN, FAMILIAL; SCN9A Paroxysmal Extreme Pain Disorder (SCN9A-PEPD). Identifiers: Orphanet 46348, MedGen C1833661, MONDO:0008179, OMIM 167400.
Primary erythromelalgia. Also called: SCN9A Erythromelalgia (SCN9A-EM); primary erythermalgia. Identifiers: Orphanet 306577, Orphanet 90026, MedGen C0014805, MONDO:0007571, OMIM 133020.
Neuropathy, hereditary sensory and autonomic, type 2A (HSAN2A). Also called: MORVAN DISEASE; NEUROPATHY, CONGENITAL SENSORY; NEUROPATHY, HEREDITARY SENSORY RADICULAR, AUTOSOMAL RECESSIVE; NEUROPATHY, HEREDITARY SENSORY, TYPE IIA; NEUROPATHY, PROGRESSIVE SENSORY, OF CHILDREN; HSAN IIA. Identifiers: Orphanet 970, MedGen C2752089, MONDO:0024309, OMIM 201300.
Generalized epilepsy with febrile seizures plus, type 7 (GEFSP7). Also called: GEFS+, TYPE 7. Identifiers: Orphanet 36387, MedGen C2751778, MONDO:0013470, OMIM 613863.

Allele frequency attached by ClinVar (database versions not stated): gnomAD exomes below 0.00001; TOPMed 0.00001.
gnomAD v4.1: 2 of 1,613,036 alleles (0.00012%); highest among the groups gnomAD compares: African/African-American, 0.0027%; no homozygotes.

Submissions (4):

Labcorp Genetics (formerly Invitae), Labcorp
Classification: Uncertain significance for Neuropathy, hereditary sensory and autonomic, type 2A; Generalized epilepsy with febrile seizures plus, type 7. Last evaluated: 2024-02-16. Review status: criteria provided, single submitter. Criteria: Invitae Variant Classification Sherloc (09022015). Collection method: clinical testing. Allele origin: germline.
Comment: This sequence change replaces valine, which is neutral and non-polar, with methionine, which is neutral and non-polar, at codon 1078 of the SCN9A protein (p.Val1078Met). This variant is not present in population databases (gnomAD no frequency). This variant has not been reported in the literature in individuals affected with SCN9A-related conditions. ClinVar contains an entry for this variant (Variation ID: 331973). Advanced modeling of protein sequence and biophysical properties (such as structural, functional, and spatial information, amino acid conservation, physicochemical variation, residue mobility, and thermodynamic stability) has been performed at Invitae for this missense variant, however the output from this modeling did not meet the statistical confidence thresholds required to predict the impact of this variant on SCN9A protein function. In summary, the available evidence is currently insufficient to determine the role of this variant in disease. Therefore, it has been classified as a Variant of Uncertain Significance.

Illumina Laboratory Services, Illumina
Classification: Uncertain significance for Primary erythromelalgia. Last evaluated: 2018-01-13. Review status: criteria provided, single submitter. Criteria: ICSL Variant Classification Criteria 13 December 2019. Collection method: clinical testing. Allele origin: germline.

Illumina Laboratory Services, Illumina
Classification: Uncertain significance for Paroxysmal extreme pain disorder. Last evaluated: 2018-01-13. Review status: criteria provided, single submitter. Criteria: ICSL Variant Classification Criteria 13 December 2019. Collection method: clinical testing. Allele origin: germline.

Illumina Laboratory Services, Illumina
Classification: Uncertain significance for Channelopathy-associated congenital insensitivity to pain, autosomal recessive. Last evaluated: 2018-01-13. Review status: criteria provided, single submitter. Criteria: ICSL Variant Classification Criteria 13 December 2019. Collection method: clinical testing. Allele origin: germline.

NM_001365536.1(SCN9A):c.3265G>A (p.Val1089Met)

Genes: SCN1A-AS1 (SCN1A and SCN9A antisense RNA 1; plus strand), SCN9A (sodium voltage-gated channel alpha subunit 9; minus strand). Cytogenetic location: 2q24.3.
Variant type: single nucleotide variant.
Coding change: c.3265G>A on transcript NM_001365536.1 (MANE Select); coding-DNA position 3265, G replaced by A.
Protein change: p.Val1089Met; replaces valine 1089 with methionine.
Molecular consequence: missense variant.
Genome position (GRCh38, 1-based): chr2:166,272,485, C>T on the plus strand (G>A on the coding strand, the complement: SCN9A is on the minus strand). VCF-style: chr2-166272485-C-T. GRCh37 (hg19) VCF-style: chr2-167128995-C-T.
Other names: c.3232G>A, p.Val1078Met (NM_002977.4); short protein forms V1078M, V1089M.
Identifiers: ClinVar variation 331973 (VCV000331973.11), dbSNP rs886055053, ClinGen allele CA10611655.